The following is an entry in ClinVar:

ClinVar aggregate classification (germline): Uncertain significance. Review status: criteria provided, multiple submitters, no conflicts (2 of 4 stars). 2 submissions from 2 submitters: Uncertain significance (2). Last evaluated 2025-01-08.

Conditions:
Cardiovascular phenotype. Identifiers: MedGen CN230736.

Allele frequency attached by ClinVar (database versions not stated): TOPMed below 0.00001; gnomAD exomes 0.00001.
gnomAD v4.1: 5 of 1,551,808 alleles (0.00032%); highest among the groups gnomAD compares: Non-Finnish European, 0.00044%; no homozygotes.

Submissions (2):

GeneDx
Classification: Uncertain significance. Last evaluated: 2025-01-08. Review status: criteria provided, single submitter. Criteria: GeneDx Variant Classification Process June 2021. Collection method: clinical testing. Allele origin: germline. Affected: yes.
Comment: Not observed at significant frequency in large population cohorts (gnomAD); In silico analysis supports that this missense variant has a deleterious effect on protein structure/function; Has not been previously published as pathogenic or benign to our knowledge

Ambry Genetics
Classification: Uncertain significance for Cardiovascular phenotype. Last evaluated: 2022-03-12. Review status: criteria provided, single submitter. Criteria: Ambry Variant Classification Scheme 2023. Collection method: clinical testing. Allele origin: germline.
Comment: The p.G151E variant (also known as c.452G>A), located in coding exon 2 of the RBM20 gene, results from a G to A substitution at nucleotide position 452. The glycine at codon 151 is replaced by glutamic acid, an amino acid with similar properties. This amino acid position is conserved. In addition, the in silico prediction for this alteration is inconclusive. Since supporting evidence is limited at this time, the clinical significance of this alteration remains unclear.

NM_001134363.3(RBM20):c.452G>A (p.Gly151Glu)

Gene: RBM20 (RNA binding motif protein 20; plus strand). Cytogenetic location: 10q25.2.
Variant type: single nucleotide variant.
Coding change: c.452G>A on transcript NM_001134363.3 (MANE Select); coding-DNA position 452, G replaced by A.
Protein change: p.Gly151Glu; replaces glycine 151 with glutamic acid.
Molecular consequence: missense variant.
Genome position (GRCh38, 1-based): chr10:110,781,061, G>A. VCF-style: chr10-110781061-G-A. GRCh37 (hg19) VCF-style: chr10-112540819-G-A.
Other names: short protein forms G151E.
Identifiers: ClinVar variation 1741268 (VCV001741268.3), dbSNP rs1487235723, ClinGen allele CA378380406.